The following is an entry in ClinVar:

ClinVar aggregate classification (germline): Uncertain significance (1 of 4 stars; one submission).

Allele frequency attached by ClinVar (database versions not stated): gnomAD exomes below 0.00001.
gnomAD v4.1: 1 of 1,613,414 alleles (0.000062%); highest among the groups gnomAD compares: Non-Finnish European, 0.000085%; no homozygotes.

Submission:

Ambry Genetics
Classification: Uncertain significance. Last evaluated: 2022-11-17. Review status: criteria provided, single submitter. Criteria: Ambry Variant Classification Scheme 2023. Collection method: clinical testing. Allele origin: germline.
Comment: The p.K392E variant (also known as c.1174A>G), located in coding exon 5 of the MNDA gene, results from an A to G substitution at nucleotide position 1174. The lysine at codon 392 is replaced by glutamic acid, an amino acid with similar properties. This amino acid position is conserved. In addition, this alteration is predicted to be tolerated by in silico analysis. Since supporting evidence is limited at this time, the clinical significance of this alteration remains unclear.

NM_002432.3(MNDA):c.1174A>G (p.Lys392Glu)

Gene: MNDA (myeloid cell nuclear differentiation antigen; plus strand). Cytogenetic location: 1q23.1.
Variant type: single nucleotide variant.
Coding change: c.1174A>G on transcript NM_002432.3 (MANE Select); coding-DNA position 1174, A replaced by G.
Protein change: p.Lys392Glu; replaces lysine 392 with glutamic acid.
Molecular consequence: missense variant.
Genome position (GRCh38, 1-based): chr1:158,847,914, A>G. VCF-style: chr1-158847914-A-G. GRCh37 (hg19) VCF-style: chr1-158817704-A-G.
Other names: short protein forms K392E.
Identifiers: ClinVar variation 2448161 (VCV002448161.2), dbSNP rs1659173117, ClinGen allele CA343045170.